The following is an entry in ClinVar:

NM_178335.3(CCDC50):c.254G>T (p.Cys85Phe)

Gene: CCDC50 (coiled-coil domain containing 50; plus strand). Cytogenetic location: 3q28.
Variant type: single nucleotide variant.
Coding change: c.254G>T on transcript NM_178335.3 (MANE Select); coding-DNA position 254, G replaced by T.
Protein change: p.Cys85Phe; replaces cysteine 85 with phenylalanine.
Molecular consequence: missense variant.
Genome position (GRCh38, 1-based): chr3:191,361,083, G>T. VCF-style: chr3-191361083-G-T. GRCh37 (hg19) VCF-style: chr3-191078872-G-T.
Other names: c.254G>T, p.Cys85Phe (NM_174908.4); short protein forms C85F.
Identifiers: ClinVar variation 1434031 (VCV001434031.8), dbSNP rs2108651367, ClinGen allele CA355761594.

ClinVar aggregate classification (germline): Uncertain significance (1 of 4 stars; one submission).

Submission:

Labcorp Genetics (formerly Invitae), Labcorp
Classification: Uncertain significance. Last evaluated: 2023-11-28. Review status: criteria provided, single submitter. Criteria: Invitae Variant Classification Sherloc (09022015). Collection method: clinical testing. Allele origin: germline.
Comment: This sequence change replaces cysteine, which is neutral and slightly polar, with phenylalanine, which is neutral and non-polar, at codon 85 of the CCDC50 protein (p.Cys85Phe). This variant is not present in population databases (gnomAD no frequency). This variant has not been reported in the literature in individuals affected with CCDC50-related conditions. ClinVar contains an entry for this variant (Variation ID: 1434031). An algorithm developed to predict the effect of missense changes on protein structure and function (PolyPhen-2) suggests that this variant is likely to be disruptive. In summary, the available evidence is currently insufficient to determine the role of this variant in disease. Therefore, it has been classified as a Variant of Uncertain Significance.